The following is an entry in ClinVar:

NM_001261826.3(AP3D1):c.2263C>T (p.Arg755Cys)

Gene: AP3D1 (adaptor related protein complex 3 subunit delta 1; minus strand). Cytogenetic location: 19p13.3.
Variant type: single nucleotide variant.
Coding change: c.2263C>T on transcript NM_001261826.3 (MANE Select); coding-DNA position 2263, C replaced by T.
Protein change: p.Arg755Cys; replaces arginine 755 with cysteine.
Molecular consequence: missense variant.
Genome position (GRCh38, 1-based): chr19:2,115,305, G>A on the plus strand (C>T on the coding strand, the complement: AP3D1 is on the minus strand). VCF-style: chr19-2115305-G-A. GRCh37 (hg19) VCF-style: chr19-2115304-G-A.
Other names: c.2263C>T, p.Arg755Cys (NM_001374799.1, NM_003938.8); c.2263C>T (NM_003938.5); short protein forms R755C.
Identifiers: ClinVar variation 1514952 (VCV001514952.10), dbSNP rs200458511, ClinGen allele CA9058948.

ClinVar aggregate classification (germline): Conflicting classifications of pathogenicity. Review status: criteria provided, conflicting classifications (1 of 4 stars). 3 submissions from 3 submitters: Uncertain significance (2); Likely benign (1). Last evaluated 2025-11-11.

Conditions:
Inborn genetic diseases. Identifiers: MedGen C0950123, MeSH D030342.

Allele frequency attached by ClinVar (database versions not stated): gnomAD 0.00007 and 0.00009; TOPMed 0.00007; ExAC 0.00009; gnomAD exomes 0.00009 and 0.00019; 1000 Genomes Project 30x 0.00016; ESP Exome Variant Server 0.00039.
gnomAD v4.1: 291 of 1,612,652 alleles (0.018%); highest among the groups gnomAD compares: Non-Finnish European, 0.023%; 1 homozygote.

Submissions (3):

Labcorp Genetics (formerly Invitae), Labcorp
Classification: Uncertain significance. Last evaluated: 2025-11-11. Review status: criteria provided, single submitter. Criteria: Invitae Variant Classification Sherloc (09022015). Collection method: clinical testing. Allele origin: germline.
Comment: This sequence change replaces arginine, which is basic and polar, with cysteine, which is neutral and slightly polar, at codon 755 of the AP3D1 protein (p.Arg755Cys). This variant is present in population databases (rs200458511, gnomAD 0.02%). This variant has not been reported in the literature in individuals affected with AP3D1-related conditions. ClinVar contains an entry for this variant (Variation ID: 1514952). An algorithm developed to predict the effect of missense changes on protein structure and function (PolyPhen-2) suggests that this variant is likely to be disruptive. In summary, the available evidence is currently insufficient to determine the role of this variant in disease. Therefore, it has been classified as a Variant of Uncertain Significance.

Women's Health and Genetics/Laboratory Corporation of America, LabCorp
Classification: Likely benign. Last evaluated: 2025-01-29. Review status: criteria provided, single submitter. Criteria: LabCorp Variant Classification Summary - May 2015. Collection method: clinical testing. Allele origin: germline.
Comment: Variant summary: AP3D1 c.2263C>T (p.Arg755Cys) results in a non-conservative amino acid change located in the AP-3 complex subunit delta domain (IPR010474) of the encoded protein sequence. Four of five in-silico tools predict a damaging effect of the variant on protein function. The variant allele was found at a frequency of 0.00018 in 1605680 control chromosomes, predominantly at a frequency of 0.00023 within the Non-Finnish European subpopulation in the gnomAD database, including 1 homozygote in the gnomAD database (v4.1 dataset). The observed variant frequency within Non-Finnish European control individuals in the gnomAD database is approximately 1.5-fold of the estimated maximal expected allele frequency for a pathogenic variant in AP3D1 causing Hermansky-Pudlak Syndrome phenotype (0.00016). To our knowledge, no occurrence of c.2263C>T in individuals affected with Hermansky-Pudlak Syndrome and no experimental evidence demonstrating its impact on protein function have been reported. ClinVar contains an entry for this variant (Variation ID: 1514952). Based on the evidence outlined above, the variant was classified as likely benign.

Ambry Genetics
Classification: Uncertain significance for Inborn genetic diseases. Last evaluated: 2025-01-27. Review status: criteria provided, single submitter. Criteria: Ambry Variant Classification Scheme 2023. Collection method: clinical testing. Allele origin: germline.